The following is an entry in ClinVar:

ClinVar aggregate classification (germline): Uncertain significance (1 of 4 stars; one submission).

Submission:

Labcorp Genetics (formerly Invitae), Labcorp
Classification: Uncertain significance. Last evaluated: 2024-10-12. Review status: criteria provided, single submitter. Criteria: Invitae Variant Classification Sherloc (09022015). Collection method: clinical testing. Allele origin: germline.
Comment: This variant, c.392_393ins72, results in the insertion of 24 amino acid(s) of the ARID1B protein (p.Gln131_His132ins24), but otherwise preserves the integrity of the reading frame. This variant is not present in population databases (gnomAD no frequency). This variant has not been reported in the literature in individuals affected with ARID1B-related conditions. Experimental studies and prediction algorithms are not available or were not evaluated, and the functional significance of this variant is currently unknown. In summary, the available evidence is currently insufficient to determine the role of this variant in disease. Therefore, it has been classified as a Variant of Uncertain Significance.

NM_001374828.1(ARID1B):c.594GCAGCAGCAGCAGCAGCAACAGCA[5] (p.Gln214_His215insGlnGlnGlnGlnGlnGlnGlnGlnGlnGlnGlnGlnGlnGlnGlnGlnGlnGlnGlnGlnGlnGlnGlnGln)

Genes: ARID1B (AT-rich interaction domain 1B; plus strand), LOC115308161 (uncharacterized LOC115308161; minus strand). Cytogenetic location: 6q25.3.
Variant type: Microsatellite.
Coding change: c.594GCAGCAGCAGCAGCAGCAACAGCA[5] on transcript NM_001374828.1 (MANE Select); five copies in a row of the 24-base unit GCAGCAGCAGCAGCAGCAACAGCA starting at c.594.
Protein change: p.Gln214_His215insGlnGlnGlnGlnGlnGlnGlnGlnGlnGlnGlnGlnGlnGlnGlnGlnGlnGlnGlnGlnGlnGlnGlnGln.
Molecular consequence: inframe insertion. On other transcripts: non-coding transcript variant (1), inframe indel (3).
Genome position: GRCh38, VCF-style position (the base before the change): chr6:156,778,268. GRCh37 (hg19), VCF-style position (the base before the change): chr6:157,099,402.
Other names: c.345_368GCAGCAGCAGCAGCAGCAACAGCA[5], p.Gln131_His132insGlnGlnGlnGlnGlnGlnGlnGlnGlnGlnGlnGlnGlnGlnGlnGlnGlnGlnGlnGlnGlnGlnGlnGln (NM_001346813.1, NM_020732.3); c.594GCAGCAGCAGCAGCAGCAACAGCA[5], p.Gln214_His215insGlnGlnGlnGlnGlnGlnGlnGlnGlnGlnGlnGlnGlnGlnGlnGlnGlnGlnGlnGlnGlnGlnGlnGln (NM_001371656.1, NM_001374820.1, NM_017519.3); c.171_194GCAGCAGCAGCAGCAGCAACAGCA[5], p.Gln73_His74insGlnGlnGlnGlnGlnGlnGlnGlnGlnGlnGlnGlnGlnGlnGlnGlnGlnGlnGlnGlnGlnGlnGlnGln (NM_175863.2).
Identifiers: ClinVar variation 1904394 (VCV001904394.5), dbSNP rs770869529, ClinGen allele CA2580615803.